The following is an entry in ClinVar:

ClinVar aggregate classification (germline): Uncertain significance. Review status: criteria provided, multiple submitters, no conflicts (2 of 4 stars). 3 submissions from 3 submitters: Uncertain significance (3). Last evaluated 2024-04-09.

Conditions:
Inborn genetic diseases. Identifiers: MedGen C0950123, MeSH D030342.
Lymphoproliferative syndrome 2 (LPFS2). Also called: Combined immunodeficiency due to CD27 deficiency; CD27 DEFICIENCY. Identifiers: Orphanet 238505, MedGen C3554540, MONDO:0014054, OMIM 615122.

Allele frequency attached by ClinVar (database versions not stated): ESP Exome Variant Server 0.00008.
gnomAD v4.1: 12 of 1,607,394 alleles (0.00075%); highest among the groups gnomAD compares: Admixed American, 0.0034%; no homozygotes.

Submissions (3):

Ambry Genetics
Classification: Uncertain significance for Inborn genetic diseases. Last evaluated: 2024-04-09. Review status: criteria provided, single submitter. Criteria: Ambry Variant Classification Scheme 2023. Collection method: clinical testing. Allele origin: germline.

Blueprint Genetics
Classification: Uncertain significance. Last evaluated: 2024-02-07. Review status: criteria provided, single submitter. Criteria: ACMG Guidelines, 2015. Collection method: clinical testing. Allele origin: germline.

Labcorp Genetics (formerly Invitae), Labcorp
Classification: Uncertain significance for Lymphoproliferative syndrome 2. Last evaluated: 2021-08-31. Review status: criteria provided, single submitter. Criteria: Invitae Variant Classification Sherloc (09022015). Collection method: clinical testing. Allele origin: germline.
Comment: This sequence change replaces glycine with tryptophan at codon 13 of the CD27 protein (p.Gly13Trp). The glycine residue is highly conserved and there is a large physicochemical difference between glycine and tryptophan. This variant is present in population databases (rs146726863, ExAC 0.002%). This variant has not been reported in the literature in individuals affected with CD27-related conditions. Algorithms developed to predict the effect of missense changes on protein structure and function (SIFT, PolyPhen-2, Align-GVGD) all suggest that this variant is likely to be disruptive. In summary, the available evidence is currently insufficient to determine the role of this variant in disease. Therefore, it has been classified as a Variant of Uncertain Significance.

NM_001242.5(CD27):c.37G>T (p.Gly13Trp)

Genes: CD27 (CD27 molecule; plus strand), CD27-AS1 (CD27 antisense RNA 1; minus strand). Cytogenetic location: 12p13.31.
Variant type: single nucleotide variant.
Coding change: c.37G>T on transcript NM_001242.5 (MANE Select); coding-DNA position 37, G replaced by T.
Protein change: p.Gly13Trp; replaces glycine 13 with tryptophan.
Molecular consequence: missense variant.
Genome position (GRCh38, 1-based): chr12:6,445,132, G>T. VCF-style: chr12-6445132-G-T. GRCh37 (hg19) VCF-style: chr12-6554298-G-T.
Other names: c.37G>T (NM_001242.4); short protein forms G13W.
Identifiers: ClinVar variation 1445330 (VCV001445330.7), dbSNP rs146726863, ClinGen allele CA6406858.
Genomic context (GRCh38, chr12:6,445,132, plus strand): 5'-AAAGGAGCCGCCTGGGCAGGGACCATGGCACGGCCACATCCCTGGTGGCTGTGCGTTCTG[G>T]GGACCCTGGTGGGGCTCTCAGCTACTCCAGCCCCCAAGAGCTGCCCAGAGAGGCACTACT-3'
Protein context (NP_001233.2, residues 3-23): RPHPWWLCVL[Gly13Trp]TLVGLSATPA